The following is an entry in ClinVar:

ClinVar aggregate classification (germline): Uncertain significance (1 of 4 stars; one submission).

Conditions:
Cardiovascular phenotype. Identifiers: MedGen CN230736.

Submission:

Ambry Genetics
Classification: Uncertain significance for Cardiovascular phenotype. Last evaluated: 2021-11-14. Review status: criteria provided, single submitter. Criteria: Ambry Variant Classification Scheme 2023. Collection method: clinical testing. Allele origin: germline.
Comment: The p.P225A variant (also known as c.673C>G), located in coding exon 1 of the ZNF469 gene, results from a C to G substitution at nucleotide position 673. The proline at codon 225 is replaced by alanine, an amino acid with highly similar properties. This amino acid position is conserved. In addition, this alteration is predicted to be tolerated by in silico analysis. Since supporting evidence is limited at this time, the clinical significance of this alteration remains unclear.

NM_001367624.2(ZNF469):c.673C>G (p.Pro225Ala)

Gene: ZNF469 (zinc finger protein 469; plus strand). Cytogenetic location: 16q24.2.
Variant type: single nucleotide variant.
Coding change: c.673C>G on transcript NM_001367624.2 (MANE Select); coding-DNA position 673, C replaced by G.
Protein change: p.Pro225Ala; replaces proline 225 with alanine.
Molecular consequence: missense variant.
Genome position (GRCh38, 1-based): chr16:88,428,143, C>G. VCF-style: chr16-88428143-C-G. GRCh37 (hg19) VCF-style: chr16-88494551-C-G.
Other names: NM_001127464.1:c.673C>G; short protein forms P225A.
Identifiers: ClinVar variation 1755181 (VCV001755181.2), dbSNP rs1905830550, ClinGen allele CA397061543.